The following is an entry in ClinVar:

NM_018319.4(TDP1):c.321A>C (p.Lys107Asn)

Genes: TDP1 (tyrosyl-DNA phosphodiesterase 1; plus strand), LOC126862019 (CDK7 strongly-dependent group 2 enhancer GRCh37_chr14:90429220-90430419; plus strand). Cytogenetic location: 14q32.11.
Variant type: single nucleotide variant.
Coding change: c.321A>C on transcript NM_018319.4 (MANE Select); coding-DNA position 321, A replaced by C.
Protein change: p.Lys107Asn; replaces lysine 107 with asparagine.
Molecular consequence: missense variant.
Genome position (GRCh38, 1-based): chr14:89,963,435, A>C. VCF-style: chr14-89963435-A-C. GRCh37 (hg19) VCF-style: chr14-90429779-A-C.
Other names: c.321A>C, p.Lys107Asn (NM_001008744.2, NM_001330205.2); short protein forms K107N.
Identifiers: ClinVar variation 1810662 (VCV001810662.1), dbSNP rs1940068150, ClinGen allele CA390579556.

ClinVar aggregate classification (germline): Uncertain significance (1 of 4 stars; one submission).

Submission:

GeneDx
Classification: Uncertain significance. Last evaluated: 2022-07-07. Review status: criteria provided, single submitter. Criteria: GeneDx Variant Classification Process June 2021. Collection method: clinical testing. Allele origin: germline. Affected: yes.
Comment: Not observed at significant frequency in large population cohorts (gnomAD); In silico analysis supports that this missense variant does not alter protein structure/function; Has not been previously published as pathogenic or benign to our knowledge